The following is an entry in ClinVar:

NM_000161.3(GCH1):c.664A>T (p.Asn222Tyr)

Gene: GCH1 (GTP cyclohydrolase 1; minus strand). Cytogenetic location: 14q22.2.
Variant type: single nucleotide variant.
Coding change: c.664A>T on transcript NM_000161.3 (MANE Select); coding-DNA position 664, A replaced by T.
Protein change: p.Asn222Tyr; replaces asparagine 222 with tyrosine.
Molecular consequence: missense variant. On other transcripts: intron variant (2).
Genome position (GRCh38, 1-based): chr14:54,844,106, T>A on the plus strand (A>T on the coding strand, the complement: GCH1 is on the minus strand). VCF-style: chr14-54844106-T-A. GRCh37 (hg19) VCF-style: chr14-55310824-T-A.
Other names: c.664A>T, p.Asn222Tyr (NM_001024024.2); c.627-1052A>T (NM_001024071.2); c.627-237A>T (NM_001024070.2); short protein forms N222Y.
Identifiers: ClinVar variation 1810004 (VCV001810004.2), dbSNP rs2504336704, ClinGen allele CA389787157.

ClinVar aggregate classification (germline): Uncertain significance (1 of 4 stars; one submission).

Submission:

GeneDx
Classification: Uncertain significance. Last evaluated: 2025-08-01. Review status: criteria provided, single submitter. Criteria: GeneDx Variant Classification Process June 2021. Collection method: clinical testing. Allele origin: germline. Affected: yes.
Comment: In silico analysis supports that this missense variant has a deleterious effect on protein structure/function; Not observed at significant frequency in large population cohorts (gnomAD); Has not been previously published as pathogenic or benign to our knowledge